The following is an entry in ClinVar:

ClinVar aggregate classification (germline): Uncertain significance (1 of 4 stars; one submission).

Conditions:
Metachromatic leukodystrophy (MLD). Also called: Cerebral sclerosis diffuse metachromatic form; Arylsulfatase A Deficiency; CEREBROSIDE SULFATASE DEFICIENCY; ARSA DEFICIENCY; METACHROMATIC LEUKOENCEPHALOPATHY; SULFATIDE LIPIDOSIS. Identifiers: Orphanet 512, MedGen C0023522, MONDO:0018868, OMIM 250100.

Submission:

Labcorp Genetics (formerly Invitae), Labcorp
Classification: Uncertain significance for Metachromatic leukodystrophy. Last evaluated: 2024-11-16. Review status: criteria provided, single submitter. Criteria: Invitae Variant Classification Sherloc (09022015). Collection method: clinical testing. Allele origin: germline.
Comment: This sequence change replaces methionine, which is neutral and non-polar, with lysine, which is basic and polar, at codon 204 of the ARSA protein (p.Met204Lys). This variant is not present in population databases (gnomAD no frequency). This variant has not been reported in the literature in individuals affected with ARSA-related conditions. Invitae Evidence Modeling of protein sequence and biophysical properties (such as structural, functional, and spatial information, amino acid conservation, physicochemical variation, residue mobility, and thermodynamic stability) has been performed for this missense variant. However, the output from this modeling did not meet the statistical confidence thresholds required to predict the impact of this variant on ARSA protein function. In summary, the available evidence is currently insufficient to determine the role of this variant in disease. Therefore, it has been classified as a Variant of Uncertain Significance.

NM_000487.6(ARSA):c.611T>A (p.Met204Lys)

Gene: ARSA (arylsulfatase A; minus strand). Cytogenetic location: 22q13.33.
Variant type: single nucleotide variant.
Coding change: c.611T>A on transcript NM_000487.6 (MANE Select); coding-DNA position 611, T replaced by A.
Protein change: p.Met204Lys; replaces methionine 204 with lysine.
Molecular consequence: missense variant.
Genome position (GRCh38, 1-based): chr22:50,626,907, A>T on the plus strand (T>A on the coding strand, the complement: ARSA is on the minus strand). VCF-style: chr22-50626907-A-T. GRCh37 (hg19) VCF-style: chr22-51065335-A-T.
Other names: c.611T>A, p.Met204Lys (NM_001085425.3, NM_001085426.3, NM_001085427.3); c.353T>A, p.Met118Lys (NM_001085428.3, NM_001362782.2); short protein forms M118K, M204K.
Identifiers: ClinVar variation 3614407 (VCV003614407.2).
Genomic context (GRCh38, chr22:50,626,907, plus strand): 5'-TACAGGAAGAAGGGGCGATCCTGGCGCTGGGCGTCGGCCATGAGGTCATGGGCGAAAGCC[A>T]TGTAGCGGGCCTCTAGTCCGGGCAGCCAGGGGGGCTGCGCCTCCACGGACAGGTTGGCCA-3'
Protein context (NP_000478.3, residues 194-214): PWLPGLEARY[Met204Lys]AFAHDLMADA